The following is an entry in ClinVar:

ClinVar aggregate classification (germline): Benign/Likely benign. Review status: criteria provided, multiple submitters, no conflicts (2 of 4 stars). 6 submissions from 6 submitters: Benign (2); Likely benign (4). Last evaluated 2026-05-05.

Conditions:
DICER1-related disorder. Also called: DICER1-related condition.
DICER1-related tumor predisposition. Also called: DICER1 syndrome; DICER1-related pleuropulmonary blastoma cancer predisposition syndrome. Identifiers: Orphanet 284343, MedGen C3839822, MONDO:0100216.
Hereditary cancer-predisposing syndrome. Also called: Hereditary Cancer Syndrome; Tumor predisposition; Hereditary neoplastic syndrome; Neoplastic Syndromes, Hereditary. Identifiers: Orphanet 140162, MedGen C0027672, MeSH D009386, MONDO:0015356.

Allele frequency attached by ClinVar (database versions not stated): gnomAD 0.00013 and 0.00014; ESP Exome Variant Server 0.00015; TOPMed 0.00015.
gnomAD v4.1: 34 of 1,614,116 alleles (0.0021%); highest among the groups gnomAD compares: African/African-American, 0.045%; no homozygotes.

Submissions (6):

PreventionGenetics, part of Exact Sciences
Classification: Likely benign for DICER1-related condition. Last evaluated: 2026-05-05. Review status: criteria provided, single submitter. Criteria: ACMG Guidelines, 2015. Collection method: clinical testing. Allele origin: germline.
Comment: This variant is classified as likely benign based on ACMG/AMP sequence variant interpretation guidelines (Richards et al. 2015 PMID: 25741868, with internal and published modifications).

Myriad Genetics, Inc.
Classification: Benign for DICER1-related tumor predisposition. Last evaluated: 2026-04-17. Review status: criteria provided, single submitter. Criteria: Myriad Autosomal Dominant, Autosomal Recessive and X-Linked Classification Criteria (2023). Collection method: clinical testing. Allele origin: unknown.
Comment: This variant is considered benign. This variant is a silent/synonymous amino acid change and it is not expected to impact splicing.

Labcorp Genetics (formerly Invitae), Labcorp
Classification: Likely benign for DICER1-related tumor predisposition. Last evaluated: 2026-01-16. Review status: criteria provided, single submitter. Criteria: Invitae Variant Classification Sherloc (09022015). Collection method: clinical testing. Allele origin: germline.

Quest Diagnostics Nichols Institute San Juan Capistrano
Classification: Benign. Last evaluated: 2025-03-28. Review status: criteria provided, single submitter. Criteria: Quest Diagnostics criteria. Collection method: clinical testing. Allele origin: unknown.

Center for Genomic Medicine, Rigshospitalet, Copenhagen University Hospital
Classification: Likely benign. Last evaluated: 2025-03-04. Review status: criteria provided, single submitter. Criteria: ACMG Guidelines, 2015. Collection method: clinical testing. Allele origin: germline.

Ambry Genetics
Classification: Likely benign for Hereditary cancer-predisposing syndrome. Last evaluated: 2017-04-26. Review status: criteria provided, single submitter. Criteria: Ambry Variant Classification Scheme 2023. Collection method: clinical testing. Allele origin: germline.

NM_177438.3(DICER1):c.3820A>C (p.Arg1274=)

Gene: DICER1 (dicer 1, ribonuclease III; minus strand). Cytogenetic location: 14q32.13.
Variant type: single nucleotide variant.
Coding change: c.3820A>C on transcript NM_177438.3 (MANE Select); coding-DNA position 3820, A replaced by C.
Protein change: p.Arg1274=; no amino-acid change (arginine 1274 retained).
Molecular consequence: synonymous variant.
Genome position (GRCh38, 1-based): chr14:95,103,576, T>G on the plus strand (A>C on the coding strand, the complement: DICER1 is on the minus strand). VCF-style: chr14-95103576-T-G. GRCh37 (hg19) VCF-style: chr14-95569913-T-G.
Other names: c.3820A>C, p.Arg1274= (NM_001195573.1, NM_001271282.3, NM_001291628.2 and 1 more transcripts).
Identifiers: ClinVar variation 417060 (VCV000417060.26), dbSNP rs142193936, ClinGen allele CA7330984.